The following is an entry in ClinVar:

ClinVar aggregate classification (germline): Conflicting classifications of pathogenicity. Review status: criteria provided, conflicting classifications (1 of 4 stars). 9 submissions from 9 submitters: Uncertain significance (7); Likely benign (2). Last evaluated 2026-03-28.

Conditions:
Hereditary cancer-predisposing syndrome. Also called: Tumor predisposition; Hereditary Cancer Syndrome; Hereditary neoplastic syndrome; Neoplastic Syndromes, Hereditary. Identifiers: Orphanet 140162, MedGen C0027672, MeSH D009386, MONDO:0015356.
Multiple endocrine neoplasia, type 2 (MEN2). Identifiers: Orphanet 653, MedGen C4048306, MONDO:0019003. Disease mechanism: gain of function.
RET-related disorder. Also called: RET-related condition; RET-related disease; RET-related disorders.
Hirschsprung disease, susceptibility to, 1 (HSCR1). Also called: RET-Related Hirschsprung Disease. Identifiers: Orphanet 388, MedGen C3888239, MONDO:0007723, OMIM 142623.
Multiple endocrine neoplasia type 2B. Also called: WAGENMANN-FROBOESE SYNDROME; MULTIPLE ENDOCRINE NEOPLASIA, TYPE III; MULTIPLE ENDOCRINE NEOPLASIA, TYPE IIB; MEN IIB; NEUROMATA, MUCOSAL, WITH ENDOCRINE TUMORS; MEN 2B. Identifiers: Orphanet 247709, Orphanet 653, MedGen C0025269, MeSH D018814, MONDO:0008082, OMIM 162300.
Pheochromocytoma. Also called: MAX-Related Hereditary Paraganglioma-Pheochromocytoma Syndrome. Identifiers: Orphanet 29072, MedGen C0031511, MONDO:0008233, OMIM 171300, HP:0002666.
Familial medullary thyroid carcinoma (MTC). Also called: Thyroid cancer, familial medullary; MTC, familial; Familial Medullary Thyroid Carcinoma (FMTC). Identifiers: Orphanet 653, Orphanet 99361, MedGen C1833921, MONDO:0007958, OMIM 155240.
Congenital central hypoventilation. Also called: Congenital Central Hypoventilation Syndrome. Identifiers: Orphanet 661, Orphanet 99803, MedGen C1275808, MONDO:0800031. Disease mechanism: gain of function.
Multiple endocrine neoplasia type 2A. Also called: Multiple Endocrine Neoplasia Type 2A (MEN2A); MULTIPLE ENDOCRINE NEOPLASIA, TYPE IIA; PTC SYNDROME; SIPPLE SYNDROME; MEN 2A; MEN-2A syndrome. Identifiers: Orphanet 247698, Orphanet 653, MedGen C0025268, MeSH D018813, MONDO:0008234, OMIM 171400.

Allele frequency attached by ClinVar (database versions not stated): TOPMed 0.00001; gnomAD exomes 0.00002 and 0.00003; ExAC 0.00005; gnomAD 0.00006 and 0.00007.
gnomAD v4.1: 40 of 1,613,290 alleles (0.0025%); highest among the groups gnomAD compares: Non-Finnish European, 0.0031%; no homozygotes.

Submissions (9):

PreventionGenetics, part of Exact Sciences
Classification: Uncertain significance for RET-related condition. Last evaluated: 2026-03-28. Review status: criteria provided, single submitter. Criteria: ACMG Guidelines, 2015. Collection method: clinical testing. Allele origin: germline.
Comment: The RET c.2527G>A variant is predicted to result in the amino acid substitution p.Glu843Lys. This variant was reported to have potential enrichment in individuals with cancer; however, this variant did not show gain of activity in a functional study (Huang et al. 2018. PubMed ID: 29625052). This variant is reported in 0.016% of alleles in individuals of European (Non-Finnish) descent in gnomAD and has conflicting interpretations regarding its pathogenicity in ClinVar, ranging from uncertain to likely benign (Variation ID: 405527). At this time, the clinical significance of this variant is uncertain due to the absence of conclusive functional and genetic evidence.

Labcorp Genetics (formerly Invitae), Labcorp
Classification: Uncertain significance for Multiple endocrine neoplasia, type 2. Last evaluated: 2026-01-10. Review status: criteria provided, single submitter. Criteria: Invitae Variant Classification Sherloc (09022015). Collection method: clinical testing. Allele origin: germline.
Comment: This sequence change replaces glutamic acid, which is acidic and polar, with lysine, which is basic and polar, at codon 843 of the RET protein (p.Glu843Lys). This variant is present in population databases (rs755837568, gnomAD 0.02%). This variant has not been reported in the literature in individuals affected with RET-related conditions. ClinVar contains an entry for this variant (Variation ID: 405527). An algorithm developed to predict the effect of missense changes on protein structure and function (PolyPhen-2) suggests that this variant is likely to be tolerated. In summary, the available evidence is currently insufficient to determine the role of this variant in disease. Therefore, it has been classified as a Variant of Uncertain Significance.

Myriad Genetics, Inc.
Classification: Likely benign for Multiple endocrine neoplasia type 2A. Last evaluated: 2025-02-27. Review status: criteria provided, single submitter. Criteria: Myriad Autosomal Dominant, Autosomal Recessive and X-Linked Classification Criteria (2023). Collection method: clinical testing. Allele origin: unknown.
Comment: This variant is considered likely benign. This variant has been observed at a population frequency that is significantly greater than expected given the associated disease prevalence and penetrance.

Color Diagnostics, LLC DBA Color Health
Classification: Uncertain significance for Multiple endocrine neoplasia, type 2. Last evaluated: 2023-12-07. Review status: criteria provided, single submitter. Criteria: ACMG Guidelines, 2015. Collection method: clinical testing. Allele origin: germline.
Comment: This missense variant replaces glutamic acid with lysine at codon 843 of the RET protein. Computational prediction is inconclusive regarding the impact of this variant on protein structure and function. A functional study has shown the mutant protein to exhibit intermediate kinase activity (PMID: 2962505). This variant has not been reported in individuals affected with RET-related disorders in the literature. This variant has been identified in 22/282032 chromosomes in the general population by the Genome Aggregation Database (gnomAD). The available evidence is insufficient to determine the role of this variant in disease conclusively. Therefore, this variant is classified as a Variant of Uncertain Significance.

Institute for Clinical Genetics, University Hospital TU Dresden, University Hospital TU Dresden
Classification: Uncertain significance. Last evaluated: 2021-11-03. Review status: criteria provided, single submitter. Criteria: ACMG Guidelines, 2015. Collection method: clinical testing. Allele origin: germline.

Ambry Genetics
Classification: Likely benign for Hereditary cancer-predisposing syndrome. Last evaluated: 2020-07-31. Review status: criteria provided, single submitter. Criteria: Ambry Variant Classification Scheme 2023. Collection method: clinical testing. Allele origin: germline.

Fulgent Genetics
Classification: Uncertain significance for Hirschsprung disease, susceptibility to, 1; Familial medullary thyroid carcinoma; Multiple endocrine neoplasia type 2B; Pheochromocytoma; Multiple endocrine neoplasia type 2A; Central hypoventilation syndrome, congenital, 1, with or without Hirschsprung disease. Last evaluated: 2018-10-31. Review status: criteria provided, single submitter. Criteria: ACMG Guidelines, 2015. Collection method: clinical testing. Allele origin: unknown.

Mendelics
Classification: Uncertain significance for Multiple endocrine neoplasia, type 2a. Last evaluated: 2018-07-02. Review status: criteria provided, single submitter. Criteria: Mendelics Assertion Criteria 2017. Collection method: clinical testing. Allele origin: unknown.

Eurofins Ntd Llc (ga)
Classification: Uncertain significance. Last evaluated: 2017-05-11. Review status: criteria provided, single submitter. Criteria: EGL Classification Definitions 2015. Collection method: clinical testing. Allele origin: germline. Observed: 1 variant allele, 1 heterozygote.

Literature cited by the submitters: PubMed 2962505 (cited by Color Diagnostics, LLC DBA Color Health); PubMed 29625052 (cited by Ambry Genetics).

NM_020975.6(RET):c.2527G>A (p.Glu843Lys)

Gene: RET (ret proto-oncogene; plus strand). Cytogenetic location: 10q11.21.
Variant type: single nucleotide variant.
Coding change: c.2527G>A on transcript NM_020975.6 (MANE Select); coding-DNA position 2527, G replaced by A.
Protein change: p.Glu843Lys; replaces glutamic acid 843 with lysine.
Molecular consequence: missense variant.
Genome position (GRCh38, 1-based): chr10:43,119,665, G>A. VCF-style: chr10-43119665-G-A. GRCh37 (hg19) VCF-style: chr10-43615113-G-A.
Other names: c.2527G>A, p.Glu843Lys (NM_000323.2, NM_001406743.1, NM_001406744.1 and 4 more transcripts); c.1765G>A, p.Glu589Lys (NM_001355216.2); c.2398G>A, p.Glu800Lys (NM_001406761.1, NM_001406762.1, NM_001406764.1); c.2392G>A, p.Glu798Lys (NM_001406763.1, NM_001406765.1); c.2239G>A, p.Glu747Lys (NM_001406766.1, NM_001406767.1, NM_001406770.1); c.1801G>A, p.Glu601Lys (NM_001406778.1, NM_001406775.1, NM_001406776.1 and 1 more transcripts); c.1630G>A, p.Glu544Lys (NM_001406779.1, NM_001406780.1, NM_001406781.1 and 1 more transcripts); c.1501G>A, p.Glu501Lys (NM_001406783.1, NM_001406786.1); and 10 more; short protein forms E843K, E589K, E408K, E448K, E504K, E544K, E798K, E360K.
Identifiers: ClinVar variation 405527 (VCV000405527.25), dbSNP rs755837568, ClinGen allele CA039575.